The following is an entry in ClinVar:

NM_000276.4(OCRL):c.120-3T>C

Gene: OCRL (OCRL inositol polyphosphate-5-phosphatase; plus strand). Cytogenetic location: Xq26.1.
Variant type: single nucleotide variant.
Coding change: c.120-3T>C on transcript NM_000276.4 (MANE Select); 3 bases into the intron before coding-DNA position 120, T replaced by C.
Molecular consequence: intron variant.
Genome position (GRCh38, 1-based): chrX:129,544,955, T>C. VCF-style: chrX-129544955-T-C. GRCh37 (hg19) VCF-style: chrX-128678932-T-C.
Other names: c.123-3T>C (NM_001318784.2); c.120-3T>C (NM_001587.4).
Identifiers: ClinVar variation 4704202 (VCV004704202.1).
Genomic context (GRCh38, chrX:129,544,955, plus strand): 5'-AGTATTTTTTTGCTAAATGAGTTTTTCAGTGGCTGTTCTTTGATGCGTTCTTCTGTTTCC[T>C]AGGTTAATAATCCAGTTGCATGAGAAGGAACAGCATGTTCAAGATATCATTCCTATAAAT-3'

ClinVar aggregate classification (germline): Uncertain significance (1 of 4 stars; one submission).

Conditions:
Lowe syndrome (OCRL). Also called: LOWE OCULOCEREBRORENAL SYNDROME; PHOSPHATIDYLINOSITOL 4,5-BISPHOSPHATE 5-PHOSPHATASE DEFICIENCY; Oculocerebrorenal Syndrome. Identifiers: Orphanet 534, MedGen C0028860, MONDO:0010645, OMIM 309000.

gnomAD v4.1: 6 of 1,136,510 alleles (0.00053%); highest among the groups gnomAD compares: Middle Eastern, 0.024%; no homozygotes.

Submission:

Labcorp Genetics (formerly Invitae), Labcorp
Classification: Uncertain significance for Lowe syndrome. Last evaluated: 2025-04-22. Review status: criteria provided, single submitter. Criteria: Invitae Variant Classification Sherloc (09022015). Collection method: clinical testing. Allele origin: germline.
Comment: This sequence change falls in intron 2 of the OCRL gene. It does not directly change the encoded amino acid sequence of the OCRL protein. It affects a nucleotide within the consensus splice site. This variant is present in population databases (rs752861579, gnomAD 0.005%). This variant has not been reported in the literature in individuals affected with OCRL-related conditions. Variants that disrupt the consensus splice site are a relatively common cause of aberrant splicing (PMID: 17576681, 9536098). Algorithms developed to predict the effect of sequence changes on RNA splicing suggest that this variant is not likely to affect RNA splicing. In summary, the available evidence is currently insufficient to determine the role of this variant in disease. Therefore, it has been classified as a Variant of Uncertain Significance.

Literature cited by the submitters: PubMed 17576681; PubMed 9536098.